The following is an entry in ClinVar:

ClinVar aggregate classification (germline): Uncertain significance (1 of 4 stars; one submission).

Allele frequency attached by ClinVar (database versions not stated): gnomAD exomes 0.00001; gnomAD 0.00002; TOPMed 0.00002.
gnomAD v4.1: 13 of 1,613,668 alleles (0.00081%); highest among the groups gnomAD compares: Non-Finnish European, 0.001%; no homozygotes.

Submission:

Labcorp Genetics (formerly Invitae), Labcorp
Classification: Uncertain significance. Last evaluated: 2025-03-26. Review status: criteria provided, single submitter. Criteria: Invitae Variant Classification Sherloc (09022015). Collection method: clinical testing. Allele origin: germline.
Comment: This sequence change replaces alanine, which is neutral and non-polar, with valine, which is neutral and non-polar, at codon 868 of the SBF1 protein (p.Ala868Val). This variant is not present in population databases (gnomAD no frequency). This variant has not been reported in the literature in individuals affected with SBF1-related conditions. ClinVar contains an entry for this variant (Variation ID: 1443303). Invitae Evidence Modeling of protein sequence and biophysical properties (such as structural, functional, and spatial information, amino acid conservation, physicochemical variation, residue mobility, and thermodynamic stability) indicates that this missense variant is not expected to disrupt SBF1 protein function with a negative predictive value of 80%. In summary, the available evidence is currently insufficient to determine the role of this variant in disease. Therefore, it has been classified as a Variant of Uncertain Significance.

NM_002972.4(SBF1):c.2603C>T (p.Ala868Val)

Gene: SBF1 (SET binding factor 1; minus strand). Cytogenetic location: 22q13.33.
Variant type: single nucleotide variant.
Coding change: c.2603C>T on transcript NM_002972.4 (MANE Select); coding-DNA position 2603, C replaced by T.
Protein change: p.Ala868Val; replaces alanine 868 with valine.
Molecular consequence: missense variant.
Genome position (GRCh38, 1-based): chr22:50,461,836, G>A on the plus strand (C>T on the coding strand, the complement: SBF1 is on the minus strand). VCF-style: chr22-50461836-G-A. GRCh37 (hg19) VCF-style: chr22-50900265-G-A.
Other names: c.2606C>T, p.Ala869Val (NM_001365819.1); short protein forms A868V, A869V.
Identifiers: ClinVar variation 1443303 (VCV001443303.6), dbSNP rs1343487002, ClinGen allele CA412208734.